The following is an entry in ClinVar:

NC_000016.9:g.(?_23637537)_(23641810_?)dup

Gene: PALB2 (partner and localizer of BRCA2; minus strand). Cytogenetic location: 16p12.2.
Variant type: Duplication.
Identifiers: ClinVar variation 3243353 (VCV003243353.1).

ClinVar aggregate classification (germline): Likely pathogenic (1 of 4 stars; one submission).

Conditions:
Familial cancer of breast. Also called: BREAST CANCER, FAMILIAL; Hereditary breast cancer; hereditary breast carcinoma. Identifiers: Orphanet 227535, MedGen C0346153, MONDO:0016419, OMIM 114480. Disease mechanism: loss of function.

Submission:

Labcorp Genetics (formerly Invitae), Labcorp
Classification: Likely pathogenic for Familial cancer of breast. Last evaluated: 2022-09-12. Review status: criteria provided, single submitter. Criteria: Invitae Variant Classification Sherloc (09022015). Collection method: clinical testing. Allele origin: unknown.
Comment: In summary, the currently available evidence indicates that the variant is pathogenic, but additional data are needed to prove that conclusively. Therefore, this variant has been classified as Likely Pathogenic. This variant has not been reported in the literature in individuals affected with PALB2-related conditions. This variant results in a copy number gain of the genomic region encompassing exon(s) 5-7 of the PALB2 gene. While the exact position of this variant cannot be determined from the data, sub-genic copy number gains are generally in tandem (PMID: 25640679). This variant is predicted to be out-of-frame, and may result in an absent or disrupted protein product. Loss-of-function variants in PALB2 are known to be pathogenic (PMID: 17200668, 17200671, 17200672, 24136930, 25099575).

Literature cited by the submitters: PubMed 25640679; PubMed 17200668; PubMed 17200671; PubMed 17200672; PubMed 24136930; PubMed 25099575.